The following is an entry in ClinVar:

NM_000093.5(COL5A1):c.1078G>T (p.Gly360Trp)

Gene: COL5A1 (collagen type V alpha 1 chain; plus strand). Cytogenetic location: 9q34.3.
Variant type: single nucleotide variant.
Coding change: c.1078G>T on transcript NM_000093.5 (MANE Select); coding-DNA position 1078, G replaced by T.
Protein change: p.Gly360Trp; replaces glycine 360 with tryptophan.
Molecular consequence: missense variant.
Genome position (GRCh38, 1-based): chr9:134,730,389, G>T. VCF-style: chr9-134730389-G-T. GRCh37 (hg19) VCF-style: chr9-137622235-G-T.
Other names: c.1078G>T, p.Gly360Trp (NM_001278074.1); short protein forms G360W.
Identifiers: ClinVar variation 2496935 (VCV002496935.5), dbSNP rs749016960, ClinGen allele CA375449870.

ClinVar aggregate classification (germline): Uncertain significance. Review status: criteria provided, multiple submitters, no conflicts (2 of 4 stars). 2 submissions from 2 submitters: Uncertain significance (2). Last evaluated 2025-09-15.

Conditions:
Ehlers-Danlos syndrome, classic type, 1 (EDSCL1). Also called: EDS I; EHLERS-DANLOS SYNDROME, GRAVIS TYPE; EHLERS-DANLOS SYNDROME, SEVERE CLASSIC TYPE; Ehlers-Danlos syndrome, type 1; Ehlers-Danlos Syndrome, Classic Type, COL5A1-Related. Identifiers: MedGen C0268335, MONDO:0019567, OMIM 130000.
Familial thoracic aortic aneurysm and aortic dissection (TAAD). Also called: Thoracic aortic aneurysms and dissections. Identifiers: Orphanet 91387, MedGen C4707243, MONDO:0019625.

Submissions (2):

Labcorp Genetics (formerly Invitae), Labcorp
Classification: Uncertain significance for Ehlers-Danlos syndrome, classic type, 1. Last evaluated: 2025-09-15. Review status: criteria provided, single submitter. Criteria: Invitae Variant Classification Sherloc (09022015). Collection method: clinical testing. Allele origin: germline.
Comment: This sequence change replaces glycine, which is neutral and non-polar, with tryptophan, which is neutral and slightly polar, at codon 360 of the COL5A1 protein (p.Gly360Trp). This variant is not present in population databases (gnomAD no frequency). This variant has not been reported in the literature in individuals affected with COL5A1-related conditions. ClinVar contains an entry for this variant (Variation ID: 2496935). Invitae Evidence Modeling of protein sequence and biophysical properties (such as structural, functional, and spatial information, amino acid conservation, physicochemical variation, residue mobility, and thermodynamic stability) indicates that this missense variant is not expected to disrupt COL5A1 protein function with a negative predictive value of 95%. In summary, the available evidence is currently insufficient to determine the role of this variant in disease. Therefore, it has been classified as a Variant of Uncertain Significance.

Ambry Genetics
Classification: Uncertain significance for Familial thoracic aortic aneurysm and aortic dissection. Last evaluated: 2022-11-03. Review status: criteria provided, single submitter. Criteria: Ambry Variant Classification Scheme 2023. Collection method: clinical testing. Allele origin: germline.
Comment: The p.G360W variant (also known as c.1078G>T), located in coding exon 7 of the COL5A1 gene, results from a G to T substitution at nucleotide position 1078. The glycine at codon 360 is replaced by tryptophan, an amino acid with highly dissimilar properties. This amino acid position is not well conserved in available vertebrate species. In addition, this alteration is predicted to be tolerated by in silico analysis. Since supporting evidence is limited at this time, the clinical significance of this alteration remains unclear.